The following is an entry in ClinVar:

NM_000391.4(TPP1):c.130G>T (p.Glu44Ter)

Gene: TPP1 (tripeptidyl peptidase 1; minus strand). Cytogenetic location: 11p15.4.
Variant type: single nucleotide variant.
Coding change: c.130G>T on transcript NM_000391.4 (MANE Select); coding-DNA position 130, G replaced by T.
Protein change: p.Glu44Ter; replaces glutamic acid 44 with a stop codon.
Molecular consequence: nonsense.
Genome position (GRCh38, 1-based): chr11:6,618,875, C>A on the plus strand (G>T on the coding strand, the complement: TPP1 is on the minus strand). VCF-style: chr11-6618875-C-A. GRCh37 (hg19) VCF-style: chr11-6640106-C-A.
Other names: p.Glu44Ter; c.130G>T (NM_000391.3); short protein forms E44*.
Identifiers: ClinVar variation 1701805 (VCV001701805.4), dbSNP rs2134598107, ClinGen allele CA379476838.

ClinVar aggregate classification (germline): Pathogenic/Likely pathogenic. Review status: criteria provided, multiple submitters, no conflicts (2 of 4 stars). 2 submissions from 2 submitters: Pathogenic (1); Likely pathogenic (1). Last evaluated 2024-03-06.

Conditions:
Neuronal ceroid lipofuscinosis 2. Also called: JANSKY-BIELSCHOWSKY DISEASE NEURONAL CEROID LIPOFUSCINOSIS, LATE INFANTILE; TPP1-Related Neuronal Ceroid-Lipofuscinosis. Identifiers: Orphanet 168491, Orphanet 228349, Orphanet 79264, MedGen C1876161, MONDO:0008769, OMIM 204500.

Submissions (2):

Natera, Inc.
Classification: Likely pathogenic for Neuronal ceroid lipofuscinosis 2. Last evaluated: 2024-03-06. Review status: criteria provided, single submitter. Criteria: Natera Variant Classification Schema (03/2026). Collection method: clinical testing. Allele origin: germline.
Comment: The c.130G>T variant in TPP1 is a nonsense variant predicted to introduce a stop codon at amino acid 44. This variant is expected to result in nonsense mediated decay, truncation, or a dysfunctional protein product. This variant is rare in the general population with a frequency below the threshold expected for the associated phenotype(s). Given the available evidence, this variant is classified as Likely Pathogenic.

Foundation for Research in Genetics and Endocrinology, FRIGE's Institute of Human Genetics
Classification: Pathogenic for Neuronal ceroid lipofuscinosis 2. Last evaluated: 2022-06-09. Review status: criteria provided, single submitter. Criteria: ACMG Guidelines, 2015. Collection method: clinical testing. Allele origin: germline. Inheritance: Autosomal recessive inheritance. Affected: yes. Observed: 1 homozygote.
Comment: A homozygous single nucleotide change in exon 3 of the TPP1 gene that results a stop codon at codon 44 was detected. The observed variant c.130G>T (p.Glu44Ter) has not been reported in the 1000 genomes and gnomAD databases. The in silico prediction of the variant is disease causing by MutationTaster2 and DANN. In summary, the variant meets our criteria to be classified as pathogenic.